The following is an entry in ClinVar:

NM_001271938.2(MEGF8):c.7024G>T (p.Glu2342Ter)

Gene: MEGF8 (multiple EGF like domains 8; plus strand). Cytogenetic location: 19q13.2.
Variant type: single nucleotide variant.
Coding change: c.7024G>T on transcript NM_001271938.2 (MANE Select); coding-DNA position 7024, G replaced by T.
Protein change: p.Glu2342Ter; replaces glutamic acid 2342 with a stop codon.
Molecular consequence: nonsense.
Genome position (GRCh38, 1-based): chr19:42,370,719, G>T. VCF-style: chr19-42370719-G-T. GRCh37 (hg19) VCF-style: chr19-42874871-G-T.
Other names: c.6823G>T, p.Glu2275Ter (NM_001410.3); short protein forms E2275*, E2342*.
Identifiers: ClinVar variation 1804730 (VCV001804730.1), dbSNP rs1298106714, ClinGen allele CA406136883.
Genomic context (GRCh38, chr19:42,370,719, plus strand): 5'-GGTCCAGGCCTTTCTATGATCACACTGTCCTTCCTTGGCCAGATTGAAAACTGGGTGACA[G>T]AGGGTCCTAGTGAAGACGAGGCCGTGTGCGTGAACTGCCAGAATAACAGCTATGGGGAGA-3'

ClinVar aggregate classification (germline): Likely pathogenic (1 of 4 stars; one submission).

Conditions:
Carpenter syndrome. Identifiers: Orphanet 65759, MedGen C1275078, MONDO:0019012.

Submission:

Women's Health and Genetics/Laboratory Corporation of America, LabCorp
Classification: Likely pathogenic for Carpenter syndrome. Last evaluated: 2022-11-15. Review status: criteria provided, single submitter. Criteria: LabCorp Variant Classification Summary - May 2015. Collection method: clinical testing. Allele origin: germline.
Comment: Variant summary: MEGF8 c.6823G>T (p.Glu2275X) results in a premature termination codon, predicted to cause a truncation of the encoded protein or absence of the protein due to nonsense mediated decay, which are commonly known mechanisms for disease. The variant was absent in 218028 control chromosomes (gnomAD). To our knowledge, no occurrence of c.6823G>T in individuals affected with Carpenter Syndrome - Type 2 and no experimental evidence demonstrating its impact on protein function have been reported. No clinical diagnostic laboratories have submitted clinical-significance assessments for this variant to ClinVar after 2014. Based on the evidence outlined above, the variant was classified as likely pathogenic.